The following is an entry in ClinVar:

ClinVar aggregate classification (germline): Uncertain significance (1 of 4 stars; one submission).

Conditions:
Pyridoxine-dependent epilepsy (EPEO4). Also called: Pyridoxine-Dependent Seizures; Pyridoxine-Dependent Epilepsy - ALDH7A1; PYRIDOXINE DEPENDENCY WITH SEIZURES; EPILEPSY, EARLY-ONSET, 4, VITAMIN B6-DEPENDENT. Identifiers: Orphanet 3006, MedGen C1849508, MONDO:0009945, OMIM 266100. Disease mechanism: loss of function.

gnomAD v4.1: 5 of 1,600,814 alleles (0.00031%); highest among the groups gnomAD compares: East Asian, 0.0045%; no homozygotes.

Submission:

Labcorp Genetics (formerly Invitae), Labcorp
Classification: Uncertain significance for Pyridoxine-dependent epilepsy. Last evaluated: 2022-08-05. Review status: criteria provided, single submitter. Criteria: Invitae Variant Classification Sherloc (09022015). Collection method: clinical testing. Allele origin: germline.
Comment: This sequence change replaces glycine, which is neutral and non-polar, with arginine, which is basic and polar, at codon 63 of the ALDH7A1 protein (p.Gly63Arg). This variant is present in population databases (rs760636660, gnomAD 0.001%). This variant has not been reported in the literature in individuals affected with ALDH7A1-related conditions. Advanced modeling of protein sequence and biophysical properties (such as structural, functional, and spatial information, amino acid conservation, physicochemical variation, residue mobility, and thermodynamic stability) performed at Invitae indicates that this missense variant is expected to disrupt ALDH7A1 protein function. In summary, the available evidence is currently insufficient to determine the role of this variant in disease. Therefore, it has been classified as a Variant of Uncertain Significance.

NM_001182.5(ALDH7A1):c.187G>A (p.Gly63Arg)

Gene: ALDH7A1 (aldehyde dehydrogenase 7 family member A1; minus strand). Cytogenetic location: 5q23.2.
Variant type: single nucleotide variant.
Coding change: c.187G>A on transcript NM_001182.5 (MANE Select); coding-DNA position 187, G replaced by A.
Protein change: p.Gly63Arg; replaces glycine 63 with arginine.
Molecular consequence: missense variant.
Genome position (GRCh38, 1-based): chr5:126,595,012, C>T on the plus strand (G>A on the coding strand, the complement: ALDH7A1 is on the minus strand). VCF-style: chr5-126595012-C-T. GRCh37 (hg19) VCF-style: chr5-125930704-C-T.
Other names: c.103G>A, p.Gly35Arg (NM_001201377.2); c.187G>A, p.Gly63Arg (NM_001202404.2); short protein forms G35R, G63R.
Identifiers: ClinVar variation 2082943 (VCV002082943.1), dbSNP rs760636660, ClinGen allele CA3389908.
Genomic context (GRCh38, chr5:126,595,012, plus strand): 5'-CGGCCTCCTCGAGCGAGCCCCGGCGGCTGCAGAGATTTCTTGAGCGCCCGCGTACCTCTC[C>T]CCGGCCTCCCCAGCTTCCATTATACACGCCCTCGTTTTCCTCGCGGAGCCCCAGCTCTTT-3'
Protein context (NP_001173.2, residues 53-73): GVYNGSWGGR[Gly63Arg]EVITTYCPAN